The following is an entry in ClinVar:

NM_001367624.2(ZNF469):c.3506C>T (p.Pro1169Leu)

Gene: ZNF469 (zinc finger protein 469; plus strand). Cytogenetic location: 16q24.2.
Variant type: single nucleotide variant.
Coding change: c.3506C>T on transcript NM_001367624.2 (MANE Select); coding-DNA position 3506, C replaced by T.
Protein change: p.Pro1169Leu; replaces proline 1169 with leucine.
Molecular consequence: missense variant.
Genome position (GRCh38, 1-based): chr16:88,430,976, C>T. VCF-style: chr16-88430976-C-T. GRCh37 (hg19) VCF-style: chr16-88497384-C-T.
Other names: NM_001127464.1:c.3422C>T; NM_001127464.2:c.3422C>T; short protein forms P1169L.
Identifiers: ClinVar variation 320909 (VCV000320909.26), dbSNP rs769853271, ClinGen allele CA8224863.

ClinVar aggregate classification (germline): Conflicting classifications of pathogenicity. Review status: criteria provided, conflicting classifications (1 of 4 stars). 6 submissions from 6 submitters: Uncertain significance (2); Likely benign (4). Last evaluated 2026-01-28.

Conditions:
ZNF469-related disorder. Also called: ZNF469-related condition.
Cardiovascular phenotype. Identifiers: MedGen CN230736.
Ehlers-Danlos syndrome (EDS). Identifiers: Orphanet 98249, MedGen C0013720, MONDO:0020066.

Allele frequency attached by ClinVar (database versions not stated): TOPMed 0.00006; gnomAD 0.00008; ExAC 0.00032.

Submissions (6):

Labcorp Genetics (formerly Invitae), Labcorp
Classification: Likely benign. Last evaluated: 2026-01-28. Review status: criteria provided, single submitter. Criteria: Invitae Variant Classification Sherloc (09022015). Collection method: clinical testing. Allele origin: germline.

Women's Health and Genetics/Laboratory Corporation of America, LabCorp
Classification: Uncertain significance. Last evaluated: 2025-10-23. Review status: criteria provided, single submitter. Criteria: LabCorp Variant Classification Summary - May 2015. Collection method: clinical testing. Allele origin: germline.
Comment: Variant summary: ZNF469 c.3506C>T (p.Pro1169Leu) results in a non-conservative amino acid change in the encoded protein sequence. Algorithms developed to predict the effect of missense changes on protein structure and function are either unavailable or do not agree on the potential impact of this missense change. The variant allele was found at a frequency of 0.00023 in 138636 control chromosomes. This frequency is not significantly higher than estimated for disease-causing variants in ZNF469, allowing no conclusion about variant significance. To our knowledge, no occurrence of c.3506C>T in individuals affected with ZNF469-related conditions and no experimental evidence demonstrating its impact on protein function have been reported. ClinVar contains an entry for this variant (Variation ID: 320909). Based on the evidence outlined above, the variant was classified as uncertain significance.

PreventionGenetics, part of Exact Sciences
Classification: Likely benign for ZNF469-related condition. Last evaluated: 2025-04-24. Review status: criteria provided, single submitter. Criteria: ACMG Guidelines, 2015. Collection method: clinical testing. Allele origin: germline.
Comment: This variant is classified as likely benign based on ACMG/AMP sequence variant interpretation guidelines (Richards et al. 2015 PMID: 25741868, with internal and published modifications).

GeneDx
Classification: Uncertain significance. Last evaluated: 2025-02-21. Review status: criteria provided, single submitter. Criteria: GeneDx Variant Classification Process June 2021. Collection method: clinical testing. Allele origin: germline. Affected: yes.
Comment: Has not been previously published as pathogenic or benign to our knowledge; In silico analysis indicates that this missense variant does not alter protein structure/function

Genome Diagnostics Laboratory, The Hospital for Sick Children
Classification: Likely benign for Ehlers-Danlos syndrome. Last evaluated: 2022-07-08. Review status: criteria provided, single submitter. Criteria: ACMG Guidelines, 2015. Collection method: clinical testing. Allele origin: germline.

Ambry Genetics
Classification: Likely benign for Cardiovascular phenotype. Last evaluated: 2020-10-05. Review status: criteria provided, single submitter. Criteria: Ambry Variant Classification Scheme 2023. Collection method: clinical testing. Allele origin: germline.